The following is an entry in ClinVar:

NM_012144.4(DNAI1):c.282_283insAATA (p.Gly95fs)

Gene: DNAI1 (dynein axonemal intermediate chain 1; plus strand). Cytogenetic location: 9p13.3.
Variant type: Insertion.
Coding change: c.282_283insAATA on transcript NM_012144.4 (MANE Select); coding-DNA positions 282 to 283, AATA inserted.
Protein change: p.Gly95fs; shifts the reading frame from glycine 95.
Molecular consequence: frameshift variant.
Genome position: GRCh38 VCF-style: chr9-34489343-T-TAATA. GRCh37 (hg19) VCF-style: chr9-34489341-T-TAATA.
Other names: c.282_283insAATA, p.Gly95fs (NM_001281428.2); short protein forms G95fs.
Identifiers: ClinVar variation 5605 (VCV000005605.3), dbSNP rs606231164, ClinGen allele CA253532.

ClinVar aggregate classification (germline): Pathogenic. Review status: criteria provided, single submitter (1 of 4 stars). 2 submissions from 2 submitters: Pathogenic (1). 1 of the submissions does not count toward it. Last evaluated 2024-05-14.

Conditions:
Kartagener syndrome (CILD1). Also called: POLYNESIAN BRONCHIECTASIS; CILIARY DYSKINESIA, PRIMARY, 1; IMMOTILE CILIA SYNDROME; CILIARY DYSKINESIA, PRIMARY, 1, WITH OR WITHOUT SITUS INVERSUS; Dextrocardia bronchiectasis and sinusitis; SIEWERT SYNDROME. Identifiers: Orphanet 244, MedGen C4551906, MONDO:0009484, OMIM 244400.

Submissions (2):

Myriad Genetics, Inc.
Classification: Pathogenic for Kartagener syndrome. Last evaluated: 2024-05-14. Review status: criteria provided, single submitter. Criteria: Myriad Autosomal Dominant, Autosomal Recessive and X-Linked Classification Criteria (2023). Collection method: clinical testing. Allele origin: unknown.
Comment: NM_012144.2(DNAI1):c.282_283insAATA(G95Nfs*24) is expected to be pathogenic in the context of primary ciliary dyskinesia, DNAI1-related. This variant is predicted to lead to an abnormal or absent protein product due to the creation of a premature termination codon in DNAI1, a gene where loss-of-function variants are known to be pathogenic. Please note: this variant was assessed in the context of healthy population screening.

OMIM
Classification: Pathogenic for CILIARY DYSKINESIA, PRIMARY, 1. Last evaluated: 1999-12-01. Review status: no assertion criteria provided. Collection method: literature only. Allele origin: germline. Not counted in ClinVar's aggregate classification.

Literature cited by the submitters: PubMed 10577904 (cited by OMIM).